The following is an entry in ClinVar:

NM_024649.5(BBS1):c.1110+4A>C

Genes: BBS1 (Bardet-Biedl syndrome 1; plus strand), ZDHHC24 (zDHHC palmitoyltransferase 24; minus strand). Cytogenetic location: 11q13.2.
Variant type: single nucleotide variant.
Coding change: c.1110+4A>C on transcript NM_024649.5 (MANE Select); 4 bases into the intron after coding-DNA position 1110, A replaced by C.
Molecular consequence: intron variant.
Genome position (GRCh38, 1-based): chr11:66,523,886, A>C. VCF-style: chr11-66523886-A-C. GRCh37 (hg19) VCF-style: chr11-66291357-A-C.
Other names: c.*22-2420T>G (NM_001348571.2).
Identifiers: ClinVar variation 3029433 (VCV003029433.2), dbSNP rs998715451, ClinGen allele CA224077263.

ClinVar aggregate classification (germline): Likely benign (0 of 4 stars; one submission).

Conditions:
BBS1-related disorder. Also called: BBS1-related condition.

Allele frequency attached by ClinVar (database versions not stated): TOPMed below 0.00001; gnomAD 0.00001; gnomAD exomes below 0.00001.
gnomAD v4.1: 3 of 1,612,688 alleles (0.00019%); highest among the groups gnomAD compares: Non-Finnish European, 0.00025%; no homozygotes.

Submission:

PreventionGenetics, part of Exact Sciences
Classification: Likely benign for BBS1-related condition. Last evaluated: 2023-03-09. Review status: no assertion criteria provided. Collection method: clinical testing. Allele origin: germline.
Comment: This variant is classified as likely benign based on ACMG/AMP sequence variant interpretation guidelines (Richards et al. 2015 PMID: 25741868, with internal and published modifications).